The following is an entry in ClinVar:

ClinVar aggregate classification (germline): Uncertain significance (1 of 4 stars; one submission).

Conditions:
Inborn genetic diseases. Identifiers: MedGen C0950123, MeSH D030342.

gnomAD v4.1: 2 of 1,613,622 alleles (0.00012%); highest among the groups gnomAD compares: Non-Finnish European, 0.00017%; no homozygotes.

Submission:

Ambry Genetics
Classification: Uncertain significance for Inborn genetic diseases. Last evaluated: 2024-12-16. Review status: criteria provided, single submitter. Criteria: Ambry Variant Classification Scheme 2023. Collection method: clinical testing. Allele origin: germline.
Comment: The p.E766V variant (also known as c.2297A>T), located in coding exon 21 of the ANKRD26 gene, results from an A to T substitution at nucleotide position 2297. The glutamic acid at codon 766 is replaced by valine, an amino acid with dissimilar properties. This amino acid position is conserved. In addition, this alteration is predicted to be tolerated by in silico analysis. Based on the available evidence, the clinical significance of this variant remains unclear.

NM_014915.3(ANKRD26):c.2297A>T (p.Glu766Val)

Gene: ANKRD26 (ankyrin repeat domain containing 26; minus strand). Cytogenetic location: 10p12.1.
Variant type: single nucleotide variant.
Coding change: c.2297A>T on transcript NM_014915.3 (MANE Select); coding-DNA position 2297, A replaced by T.
Protein change: p.Glu766Val; replaces glutamic acid 766 with valine.
Molecular consequence: missense variant.
Genome position (GRCh38, 1-based): chr10:27,040,043, T>A on the plus strand (A>T on the coding strand, the complement: ANKRD26 is on the minus strand). VCF-style: chr10-27040043-T-A. GRCh37 (hg19) VCF-style: chr10-27328972-T-A.
Other names: c.2294A>T, p.Glu765Val (NM_001256053.2); short protein forms E765V, E766V.
Identifiers: ClinVar variation 3868251 (VCV003868251.1).